The following is an entry in ClinVar:

NM_001001888.4(VCX3B):c.535C>G (p.Gln179Glu)

Gene: VCX3B (variable charge X-linked 3B; plus strand). Cytogenetic location: Xp22.31.
Variant type: single nucleotide variant.
Coding change: c.535C>G on transcript NM_001001888.4 (MANE Select); coding-DNA position 535, C replaced by G.
Protein change: p.Gln179Glu; replaces glutamine 179 with glutamic acid.
Molecular consequence: missense variant.
Genome position (GRCh38, 1-based): chrX:8,466,177, C>G. VCF-style: chrX-8466177-C-G. GRCh37 (hg19) VCF-style: chrX-8434218-C-G.
Other names: short protein forms Q179E.
Identifiers: ClinVar variation 2389694 (VCV002389694.4), dbSNP rs371122549, ClinGen allele CA10343341.

ClinVar aggregate classification (germline): Conflicting classifications of pathogenicity. Review status: criteria provided, conflicting classifications (1 of 4 stars). 2 submissions from 2 submitters: Uncertain significance (1); Likely benign (1). Last evaluated 2026-08-01.

Allele frequency attached by ClinVar (database versions not stated): ExAC 0.00036; ESP Exome Variant Server 0.00051; gnomAD exomes 0.00069; gnomAD 0.00110.
gnomAD v4.1: 274 of 562,869 alleles (0.049%); highest among the groups gnomAD compares: South Asian, 0.12%; 6 homozygotes.

Submissions (2):

CeGaT Center for Human Genetics Tuebingen
Classification: Likely benign. Last evaluated: 2026-08-01. Review status: criteria provided, single submitter. Criteria: CeGaT Center For Human Genetics Tuebingen Variant Classification Criteria Version 2. Collection method: clinical testing. Allele origin: germline. Affected: yes. Observed: 1 variant allele.
Comment: VCX3B: BS2

Ambry Genetics
Classification: Uncertain significance. Last evaluated: 2024-10-12. Review status: criteria provided, single submitter. Criteria: Ambry Variant Classification Scheme 2023. Collection method: clinical testing. Allele origin: germline.